The following is an entry in ClinVar:

NM_002633.3(PGM1):c.24G>T (p.Lys8Asn)

Genes: PGM1 (phosphoglucomutase 1; plus strand), LOC129930668 (ATAC-STARR-seq lymphoblastoid active region 1127; plus strand). Cytogenetic location: 1p31.3.
Variant type: single nucleotide variant.
Coding change: c.24G>T on transcript NM_002633.3 (MANE Select); coding-DNA position 24, G replaced by T.
Protein change: p.Lys8Asn; replaces lysine 8 with asparagine.
Molecular consequence: missense variant.
Genome position (GRCh38, 1-based): chr1:63,593,512, G>T. VCF-style: chr1-63593512-G-T. GRCh37 (hg19) VCF-style: chr1-64059183-G-T.
Other names: short protein forms K8N.
Identifiers: ClinVar variation 2741013 (VCV002741013.3), dbSNP rs1197859256, ClinGen allele CA340638832.

ClinVar aggregate classification (germline): Uncertain significance (1 of 4 stars; one submission).

Conditions:
PGM1-congenital disorder of glycosylation. Also called: CDG It; Congenital disorder of glycosylation type 1t; GSD XIV; PHOSPHOGLUCOMUTASE 1 DEFICIENCY; PGM1 DEFICIENCY; GLYCOGEN STORAGE DISEASE XIV. Identifiers: Orphanet 319646, MedGen C2752015, MONDO:0013968, OMIM 614921.

Submission:

Labcorp Genetics (formerly Invitae), Labcorp
Classification: Uncertain significance for PGM1-congenital disorder of glycosylation. Last evaluated: 2023-08-10. Review status: criteria provided, single submitter. Criteria: Invitae Variant Classification Sherloc (09022015). Collection method: clinical testing. Allele origin: germline.
Comment: This sequence change replaces lysine, which is basic and polar, with asparagine, which is neutral and polar, at codon 8 of the PGM1 protein (p.Lys8Asn). This variant is not present in population databases (gnomAD no frequency). This variant has not been reported in the literature in individuals affected with PGM1-related conditions. An algorithm developed to predict the effect of missense changes on protein structure and function (PolyPhen-2) suggests that this variant is likely to be tolerated. In summary, the available evidence is currently insufficient to determine the role of this variant in disease. Therefore, it has been classified as a Variant of Uncertain Significance.